The following is an entry in ClinVar:

NM_178013.4(PRIMA1):c.426C>G (p.Ser142Arg)

Gene: PRIMA1 (proline rich membrane anchor 1; minus strand). Cytogenetic location: 14q32.12.
Variant type: single nucleotide variant.
Coding change: c.426C>G on transcript NM_178013.4 (MANE Select); coding-DNA position 426, C replaced by G.
Protein change: p.Ser142Arg; replaces serine 142 with arginine.
Molecular consequence: missense variant.
Genome position (GRCh38, 1-based): chr14:93,721,480, G>C on the plus strand (C>G on the coding strand, the complement: PRIMA1 is on the minus strand). VCF-style: chr14-93721480-G-C. GRCh37 (hg19) VCF-style: chr14-94187826-G-C.
Other names: short protein forms S142R.
Identifiers: ClinVar variation 960553 (VCV000960553.6), dbSNP rs370561739, ClinGen allele CA7322999.

ClinVar aggregate classification (germline): Uncertain significance. Review status: criteria provided, multiple submitters, no conflicts (2 of 4 stars). 2 submissions from 2 submitters: Uncertain significance (2). Last evaluated 2022-11-18.

Conditions:
Familial sleep-related hypermotor epilepsy. Also called: Autosomal Dominant Sleep-Related Hypermotor (Hyperkinetic) Epilepsy. Identifiers: Orphanet 98784, MedGen C3696898, MONDO:0000030.

Allele frequency attached by ClinVar (database versions not stated): ExAC 0.00001; gnomAD 0.00001; TOPMed 0.00002; ESP Exome Variant Server 0.00008.
gnomAD v4.1: 4 of 1,613,702 alleles (0.00025%); highest among the groups gnomAD compares: Non-Finnish European, 0.00034%; no homozygotes.

Submissions (2):

Ambry Genetics
Classification: Uncertain significance. Last evaluated: 2022-11-18. Review status: criteria provided, single submitter. Criteria: Ambry Variant Classification Scheme 2023. Collection method: clinical testing. Allele origin: germline.

Labcorp Genetics (formerly Invitae), Labcorp
Classification: Uncertain significance for Familial sleep-related hypermotor epilepsy. Last evaluated: 2022-10-13. Review status: criteria provided, single submitter. Criteria: Invitae Variant Classification Sherloc (09022015). Collection method: clinical testing. Allele origin: germline.
Comment: This sequence change replaces serine, which is neutral and polar, with arginine, which is basic and polar, at codon 142 of the PRIMA1 protein (p.Ser142Arg). This variant is present in population databases (rs370561739, gnomAD 0.0009%). This variant has not been reported in the literature in individuals affected with PRIMA1-related conditions. ClinVar contains an entry for this variant (Variation ID: 960553). Algorithms developed to predict the effect of missense changes on protein structure and function are either unavailable or do not agree on the potential impact of this missense change (SIFT: "Tolerated"; PolyPhen-2: "Possibly Damaging"; Align-GVGD: "Class C0"). In summary, the available evidence is currently insufficient to determine the role of this variant in disease. Therefore, it has been classified as a Variant of Uncertain Significance.